The following is an entry in ClinVar:

ClinVar aggregate classification (germline): Uncertain significance (1 of 4 stars; one submission).

Conditions:
Cardiovascular phenotype. Identifiers: MedGen CN230736.
Hereditary cancer-predisposing syndrome. Also called: Neoplastic Syndromes, Hereditary; Tumor predisposition; Hereditary Cancer Syndrome; Hereditary neoplastic syndrome. Identifiers: Orphanet 140162, MedGen C0027672, MeSH D009386, MONDO:0015356.

Submission:

Ambry Genetics
Classification: Uncertain significance for Cardiovascular phenotype; Hereditary cancer-predisposing syndrome. Last evaluated: 2022-09-21. Review status: criteria provided, single submitter. Criteria: Ambry Variant Classification Scheme 2023. Collection method: clinical testing. Allele origin: germline.
Comment: The p.L2250V variant (also known as c.6748C>G), located in coding exon 44 of the NF1 gene, results from a C to G substitution at nucleotide position 6748. The leucine at codon 2250 is replaced by valine, an amino acid with highly similar properties. This amino acid position is conserved. In addition, the in silico prediction for this alteration is inconclusive. Since supporting evidence is limited at this time, the clinical significance of this alteration remains unclear.

NM_001042492.3(NF1):c.6811C>G (p.Leu2271Val)

Gene: NF1 (neurofibromin 1; plus strand). Cytogenetic location: 17q11.2.
Variant type: single nucleotide variant.
Coding change: c.6811C>G on transcript NM_001042492.3 (MANE Select); coding-DNA position 6811, C replaced by G.
Protein change: p.Leu2271Val; replaces leucine 2271 with valine.
Molecular consequence: missense variant.
Genome position (GRCh38, 1-based): chr17:31,338,131, C>G. VCF-style: chr17-31338131-C-G. GRCh37 (hg19) VCF-style: chr17-29665149-C-G.
Other names: c.6748C>G, p.Leu2250Val (NM_000267.4); short protein forms L2250V, L2271V.
Identifiers: ClinVar variation 1755210 (VCV001755210.2), dbSNP rs2151558388, ClinGen allele CA399014205.